The following is an entry in ClinVar:

ClinVar aggregate classification (germline): Likely pathogenic (1 of 4 stars; one submission).

Conditions:
Regional enteritis. Also called: Enteritis, Granulomatous. Identifiers: MedGen C0678202, MeSH D003424.

Submission:

Aleixo Muise Laboratory, Hospital For Sick Children
Classification: Likely pathogenic for Regional enteritis. Last evaluated: 2025-06-05. Review status: criteria provided, single submitter. Criteria: ACMG Guidelines, 2015. Collection method: research, in vitro. Allele origin: inherited, not applicable. Inheritance: Autosomal dominant inheritance. Affected: yes. Observed: 1 heterozygote. Functional consequence: loss_of_function_variant.
Comment: PP3 - Computational evidence based on FATHMM-MKL, CADD v1.6, SIFT; PM2 - Based on data from gnomAD v4

NM_001165.5(BIRC3):c.103A>G (p.Thr35Ala)

Gene: BIRC3 (baculoviral IAP repeat containing 3; plus strand). Cytogenetic location: 11q22.2.
Variant type: single nucleotide variant.
Coding change: c.103A>G on transcript NM_001165.5 (MANE Select); coding-DNA position 103, A replaced by G.
Protein change: p.Thr35Ala; replaces threonine 35 with alanine.
Molecular consequence: missense variant.
Genome position (GRCh38, 1-based): chr11:102,324,612, A>G. VCF-style: chr11-102324612-A-G. GRCh37 (hg19) VCF-style: chr11-102195343-A-G.
Other names: c.103A>G, p.Thr35Ala (NM_182962.3); short protein forms T35A.
Identifiers: ClinVar variation 3906844 (VCV003906844.1).
Genomic context (GRCh38, chr11:102,324,612, plus strand): 5'-AAAAGCGCCAACACGTTTGAACTGAAATACGACTTGTCATGTGAACTGTACCGAATGTCT[A>G]CGTATTCCACTTTTCCTGCTGGGGTTCCTGTCTCAGAAAGGAGTCTTGCTCGTGCTGGTT-3'
Protein context (NP_001156.1, residues 25-45): DLSCELYRMS[Thr35Ala]YSTFPAGVPV